The following is an entry in ClinVar:

NM_012424.6(RPS6KC1):c.59C>A (p.Pro20His)

Genes: RPS6KC1 (ribosomal protein S6 kinase C1; plus strand), LOC129932493 (ATAC-STARR-seq lymphoblastoid silent region 1809; plus strand). Cytogenetic location: 1q32.3.
Variant type: single nucleotide variant.
Coding change: c.59C>A on transcript NM_012424.6 (MANE Select); coding-DNA position 59, C replaced by A.
Protein change: p.Pro20His; replaces proline 20 with histidine.
Molecular consequence: missense variant. On other transcripts: 5 prime UTR variant (27), non-coding transcript variant (4).
Genome position (GRCh38, 1-based): chr1:213,051,463, C>A. VCF-style: chr1-213051463-C-A. GRCh37 (hg19) VCF-style: chr1-213224805-C-A.
Other names: c.-1273C>A (NM_001349666.2); c.-1035C>A (NM_001349667.2, NM_001349672.2); c.59C>A, p.Pro20His (NM_001136138.4, NM_001349646.2, NM_001349647.2); c.-563C>A (NM_001287218.3, NM_001349653.2); c.-602C>A (NM_001287219.3, NM_001349649.2); c.-1156C>A (NM_001287220.3); c.-364C>A (NM_001287221.3); c.-554C>A (NM_001349648.2); and 16 more; short protein forms P20H.
Identifiers: ClinVar variation 4765519 (VCV004765519.1).

ClinVar aggregate classification (germline): Uncertain significance (1 of 4 stars; one submission).

Submission:

Labcorp Genetics (formerly Invitae), Labcorp
Classification: Uncertain significance. Last evaluated: 2025-05-05. Review status: criteria provided, single submitter. Criteria: Invitae Variant Classification Sherloc (09022015). Collection method: clinical testing. Allele origin: germline.
Comment: This sequence change replaces proline, which is neutral and non-polar, with histidine, which is basic and polar, at codon 20 of the RPS6KC1 protein (p.Pro20His). This variant is not present in population databases (gnomAD no frequency). This variant has not been reported in the literature in individuals affected with RPS6KC1-related conditions. An algorithm developed to predict the effect of missense changes on protein structure and function (PolyPhen-2) suggests that this variant is likely to be disruptive. In summary, the available evidence is currently insufficient to determine the role of this variant in disease. Therefore, it has been classified as a Variant of Uncertain Significance.